The following is an entry in ClinVar:

ClinVar aggregate classification (germline): Uncertain significance (1 of 4 stars; one submission).

gnomAD v4.1: 9 of 1,613,996 alleles (0.00056%); highest among the groups gnomAD compares: Admixed American, 0.0067%; no homozygotes.

Submission:

Labcorp Genetics (formerly Invitae), Labcorp
Classification: Uncertain significance. Last evaluated: 2023-07-07. Review status: criteria provided, single submitter. Criteria: Invitae Variant Classification Sherloc (09022015). Collection method: clinical testing. Allele origin: germline.
Comment: An algorithm developed to predict the effect of missense changes on protein structure and function (PolyPhen-2) suggests that this variant is likely to be disruptive. In summary, the available evidence is currently insufficient to determine the role of this variant in disease. Therefore, it has been classified as a Variant of Uncertain Significance. ClinVar contains an entry for this variant (Variation ID: 1407606). This variant has not been reported in the literature in individuals affected with LRIT3-related conditions. This variant is present in population databases (rs150750727, gnomAD 0.003%). This sequence change replaces arginine, which is basic and polar, with proline, which is neutral and non-polar, at codon 237 of the LRIT3 protein (p.Arg237Pro).

NM_198506.5(LRIT3):c.710G>C (p.Arg237Pro)

Gene: LRIT3 (leucine rich repeat, Ig-like and transmembrane domains 3; plus strand). Cytogenetic location: 4q25.
Variant type: single nucleotide variant.
Coding change: c.710G>C on transcript NM_198506.5 (MANE Select); coding-DNA position 710, G replaced by C.
Protein change: p.Arg237Pro; replaces arginine 237 with proline.
Molecular consequence: missense variant.
Genome position (GRCh38, 1-based): chr4:109,867,761, G>C. VCF-style: chr4-109867761-G-C. GRCh37 (hg19) VCF-style: chr4-110788917-G-C.
Other names: short protein forms R237P.
Identifiers: ClinVar variation 1407606 (VCV001407606.6), dbSNP rs150750727, ClinGen allele CA3043050.